The following is an entry in ClinVar:

ClinVar aggregate classification (germline): Uncertain significance (1 of 4 stars; one submission).

Submission:

Ambry Genetics
Classification: Uncertain significance. Last evaluated: 2022-04-07. Review status: criteria provided, single submitter. Criteria: Ambry Variant Classification Scheme 2023. Collection method: clinical testing. Allele origin: germline.
Comment: The p.Y385C variant (also known as c.1154A>G), located in coding exon 12 of the PRKDC gene, results from an A to G substitution at nucleotide position 1154. The tyrosine at codon 385 is replaced by cysteine, an amino acid with highly dissimilar properties. This amino acid position is conserved. In addition, the in silico prediction for this alteration is inconclusive. Since supporting evidence is limited at this time, the clinical significance of this alteration remains unclear.

NM_006904.7(PRKDC):c.1154A>G (p.Tyr385Cys)

Gene: PRKDC (protein kinase, DNA-activated, catalytic subunit; minus strand). Cytogenetic location: 8q11.21.
Variant type: single nucleotide variant.
Coding change: c.1154A>G on transcript NM_006904.7 (MANE Select); coding-DNA position 1154, A replaced by G.
Protein change: p.Tyr385Cys; replaces tyrosine 385 with cysteine.
Molecular consequence: missense variant.
Genome position (GRCh38, 1-based): chr8:47,936,477, T>C on the plus strand (A>G on the coding strand, the complement: PRKDC is on the minus strand). VCF-style: chr8-47936477-T-C. GRCh37 (hg19) VCF-style: chr8-48849037-T-C.
Other names: c.1154A>G, p.Tyr385Cys (NM_001081640.2); short protein forms Y385C.
Identifiers: ClinVar variation 1734840 (VCV001734840.2), dbSNP rs2551879744, ClinGen allele CA371166312.